The following is an entry in ClinVar:

NM_019109.5(ALG1):c.176A>G (p.His59Arg)

Genes: ALG1 (ALG1 chitobiosyldiphosphodolichol beta-mannosyltransferase; plus strand), LOC130058384 (ATAC-STARR-seq lymphoblastoid active region 10349; plus strand). Cytogenetic location: 16p13.3.
Variant type: single nucleotide variant.
Coding change: c.176A>G on transcript NM_019109.5 (MANE Select); coding-DNA position 176, A replaced by G.
Protein change: p.His59Arg; replaces histidine 59 with arginine.
Molecular consequence: missense variant.
Genome position (GRCh38, 1-based): chr16:5,072,025, A>G. VCF-style: chr16-5072025-A-G. GRCh37 (hg19) VCF-style: chr16-5122026-A-G.
Other names: c.176A>G (NM_019109.4); short protein forms H59R.
Identifiers: ClinVar variation 1426270 (VCV001426270.7), dbSNP rs773372110, ClinGen allele CA7889687.
Genomic context (GRCh38, chr16:5,072,025, plus strand): 5'-TGCTGGGCGACGTGGGCCGCAGCCCCCGTATGCAGTACCACGCGCTGTCGTTGGCCATGC[A>G]CGGCTTCTCGGTGACCCTCCTGGGGTTCTGCAGTGAGTGGCCAAGGGTCTGGGAGGGACG-3'
Protein context (NP_061982.3, residues 49-69): MQYHALSLAM[His59Arg]GFSVTLLGFC

ClinVar aggregate classification (germline): Uncertain significance. Review status: criteria provided, multiple submitters, no conflicts (2 of 4 stars). 3 submissions from 3 submitters: Uncertain significance (3). Last evaluated 2025-01-18.

Conditions:
Inborn genetic diseases. Identifiers: MedGen C0950123, MeSH D030342.
ALG1-congenital disorder of glycosylation. Also called: CDG Ik; CONGENITAL DISORDER OF GLYCOSYLATION, TYPE Ik; ALG1-CDG. Identifiers: Orphanet 79327, MedGen C2931005, MONDO:0012052, OMIM 608540.

Allele frequency attached by ClinVar (database versions not stated): ExAC 0.00006.
gnomAD v4.1: 190 of 1,595,252 alleles (0.012%); highest among the groups gnomAD compares: Non-Finnish European, 0.016%; no homozygotes.

Submissions (3):

Ambry Genetics
Classification: Uncertain significance for Inborn genetic diseases. Last evaluated: 2025-01-18. Review status: criteria provided, single submitter. Criteria: Ambry Variant Classification Scheme 2023. Collection method: clinical testing. Allele origin: germline.

Labcorp Genetics (formerly Invitae), Labcorp
Classification: Uncertain significance for ALG1-congenital disorder of glycosylation. Last evaluated: 2022-07-24. Review status: criteria provided, single submitter. Criteria: Invitae Variant Classification Sherloc (09022015). Collection method: clinical testing. Allele origin: germline.
Comment: This sequence change replaces histidine, which is basic and polar, with arginine, which is basic and polar, at codon 59 of the ALG1 protein (p.His59Arg). This variant is present in population databases (rs773372110, gnomAD 0.009%). This variant has not been reported in the literature in individuals affected with ALG1-related conditions. ClinVar contains an entry for this variant (Variation ID: 1426270). Advanced modeling of protein sequence and biophysical properties (such as structural, functional, and spatial information, amino acid conservation, physicochemical variation, residue mobility, and thermodynamic stability) performed at Invitae indicates that this missense variant is not expected to disrupt ALG1 protein function. In summary, the available evidence is currently insufficient to determine the role of this variant in disease. Therefore, it has been classified as a Variant of Uncertain Significance.

Fulgent Genetics
Classification: Uncertain significance for ALG1-congenital disorder of glycosylation. Last evaluated: 2022-02-17. Review status: criteria provided, single submitter. Criteria: ACMG Guidelines, 2015. Collection method: clinical testing. Allele origin: unknown.